The following is an entry in ClinVar:

ClinVar aggregate classification (germline): Uncertain significance. Review status: criteria provided, multiple submitters, no conflicts (2 of 4 stars). 2 submissions from 2 submitters: Uncertain significance (2). Last evaluated 2022-12-11.

Conditions:
Primary ciliary dyskinesia. Also called: Ciliary dyskinesia. Identifiers: Orphanet 244, MedGen C0008780, MONDO:0016575, HP:0012265.

gnomAD v4.1: 2 of 1,613,916 alleles (0.00012%); highest among the groups gnomAD compares: Non-Finnish European, 0.000085%; no homozygotes.

Submissions (2):

Labcorp Genetics (formerly Invitae), Labcorp
Classification: Uncertain significance for Primary ciliary dyskinesia. Last evaluated: 2022-12-11. Review status: criteria provided, single submitter. Criteria: Invitae Variant Classification Sherloc (09022015). Collection method: clinical testing. Allele origin: germline.
Comment: In summary, the available evidence is currently insufficient to determine the role of this variant in disease. Therefore, it has been classified as a Variant of Uncertain Significance. Advanced modeling of protein sequence and biophysical properties (such as structural, functional, and spatial information, amino acid conservation, physicochemical variation, residue mobility, and thermodynamic stability) performed at Invitae indicates that this missense variant is not expected to disrupt DNAH11 protein function. ClinVar contains an entry for this variant (Variation ID: 1769910). This variant has not been reported in the literature in individuals affected with DNAH11-related conditions. This variant is not present in population databases (gnomAD no frequency). This sequence change replaces threonine, which is neutral and polar, with lysine, which is basic and polar, at codon 4404 of the DNAH11 protein (p.Thr4404Lys).

Ambry Genetics
Classification: Uncertain significance for Primary ciliary dyskinesia. Last evaluated: 2021-06-21. Review status: criteria provided, single submitter. Criteria: Ambry Variant Classification Scheme 2023. Collection method: clinical testing. Allele origin: germline.
Comment: The p.T4404K variant (also known as c.13211C>A), located in coding exon 81 of the DNAH11 gene, results from a C to A substitution at nucleotide position 13211. The threonine at codon 4404 is replaced by lysine, an amino acid with similar properties. This amino acid position is poorly conserved in available vertebrate species. In addition, this alteration is predicted to be tolerated by in silico analysis. Since supporting evidence is limited at this time, the clinical significance of this alteration remains unclear.

NM_001277115.2(DNAH11):c.13211C>A (p.Thr4404Lys)

Gene: DNAH11 (dynein axonemal heavy chain 11; plus strand). Cytogenetic location: 7p15.3.
Variant type: single nucleotide variant.
Coding change: c.13211C>A on transcript NM_001277115.2 (MANE Select); coding-DNA position 13211, C replaced by A.
Protein change: p.Thr4404Lys; replaces threonine 4404 with lysine.
Molecular consequence: missense variant.
Genome position (GRCh38, 1-based): chr7:21,900,028, C>A. VCF-style: chr7-21900028-C-A. GRCh37 (hg19) VCF-style: chr7-21939646-C-A.
Other names: c.13232C>A, p.Thr4411Lys (NM_003777.3); short protein forms T4404K, T4411K.
Identifiers: ClinVar variation 1769910 (VCV001769910.5), dbSNP rs768366183, ClinGen allele CA366956006.